The following is an entry in ClinVar:

ClinVar aggregate classification (germline): Uncertain significance (1 of 4 stars; one submission).

Conditions:
Atrial fibrillation, familial, 6 (ATFB6). Identifiers: MedGen C2677294, MONDO:0012816, OMIM 612201.

gnomAD v4.1: 11 of 1,613,640 alleles (0.00068%); highest among the groups gnomAD compares: Non-Finnish European, 0.00093%; no homozygotes.

Submission:

Labcorp Genetics (formerly Invitae), Labcorp
Classification: Uncertain significance for Atrial fibrillation, familial, 6. Last evaluated: 2025-07-29. Review status: criteria provided, single submitter. Criteria: Invitae Variant Classification Sherloc (09022015). Collection method: clinical testing. Allele origin: germline.
Comment: This sequence change replaces glutamine, which is neutral and polar, with histidine, which is basic and polar, at codon 91 of the NPPA protein (p.Gln91His). This variant is present in population databases (rs371227290, gnomAD 0.0009%). This variant has not been reported in the literature in individuals affected with NPPA-related conditions. An algorithm developed to predict the effect of missense changes on protein structure and function (PolyPhen-2) suggests that this variant is likely to be disruptive. In summary, the available evidence is currently insufficient to determine the role of this variant in disease. Therefore, it has been classified as a Variant of Uncertain Significance.

NM_006172.4(NPPA):c.273G>C (p.Gln91His)

Genes: NPPA (natriuretic peptide A; minus strand), NPPA-AS1 (NPPA antisense RNA 1; plus strand), LOC114827827 (VISTA enhancer hs2123; plus strand). Cytogenetic location: 1p36.22.
Variant type: single nucleotide variant.
Coding change: c.273G>C on transcript NM_006172.4 (MANE Select); coding-DNA position 273, G replaced by C.
Protein change: p.Gln91His; replaces glutamine 91 with histidine.
Molecular consequence: missense variant.
Genome position (GRCh38, 1-based): chr1:11,847,290, C>G on the plus strand (G>C on the coding strand, the complement: NPPA is on the minus strand). VCF-style: chr1-11847290-C-G. GRCh37 (hg19) VCF-style: chr1-11907347-C-G.
Other names: short protein forms Q91H.
Identifiers: ClinVar variation 4798075 (VCV004798075.1).